The following is an entry in ClinVar:

NM_012250.6(RRAS2):c.245A>G (p.Tyr82Cys)

Gene: RRAS2 (RAS related 2; minus strand). Cytogenetic location: 11p15.2.
Variant type: single nucleotide variant.
Coding change: c.245A>G on transcript NM_012250.6 (MANE Select); coding-DNA position 245, A replaced by G.
Protein change: p.Tyr82Cys; replaces tyrosine 82 with cysteine.
Molecular consequence: missense variant.
Genome position (GRCh38, 1-based): chr11:14,294,814, T>C on the plus strand (A>G on the coding strand, the complement: RRAS2 is on the minus strand). VCF-style: chr11-14294814-T-C. GRCh37 (hg19) VCF-style: chr11-14316360-T-C.
Other names: c.14A>G, p.Tyr5Cys (NM_001102669.3, NM_001177315.2, NM_001440709.1 and 6 more transcripts); c.140A>G, p.Tyr47Cys (NM_001177314.2); c.245A>G, p.Tyr82Cys (NM_001440708.1); short protein forms Y47C, Y5C, Y82C.
Identifiers: ClinVar variation 4088223 (VCV004088223.1).

ClinVar aggregate classification (germline): Uncertain significance (1 of 4 stars; one submission).

Submission:

GeneDx
Classification: Uncertain significance. Last evaluated: 2025-03-25. Review status: criteria provided, single submitter. Criteria: GeneDx Variant Classification Process June 2021. Collection method: clinical testing. Allele origin: germline. Affected: yes.
Comment: Not observed at significant frequency in large population cohorts (gnomAD); In silico analysis supports that this missense variant has a deleterious effect on protein structure/function; Has not been previously published as pathogenic or benign to our knowledge